The following is an entry in ClinVar:

NM_006539.4(CACNG3):c.295+1G>T

Gene: CACNG3 (calcium voltage-gated channel auxiliary subunit gamma 3; plus strand). Cytogenetic location: 16p12.1.
Variant type: single nucleotide variant.
Coding change: c.295+1G>T on transcript NM_006539.4 (MANE Select); the canonical splice donor site of the intron after coding-DNA position 295, G replaced by T.
Molecular consequence: splice donor variant.
Genome position (GRCh38, 1-based): chr16:24,346,818, G>T. VCF-style: chr16-24346818-G-T. GRCh37 (hg19) VCF-style: chr16-24358139-G-T.
Identifiers: ClinVar variation 3765787 (VCV003765787.1).

ClinVar aggregate classification (germline): Uncertain significance (1 of 4 stars; one submission).

Submission:

Greenwood Genetic Center Diagnostic Laboratories, Greenwood Genetic Center
Classification: Uncertain significance. Last evaluated: 2024-11-21. Review status: criteria provided, single submitter. Criteria: ACMG Guidelines, 2015. Collection method: clinical testing. Allele origin: germline. Affected: yes.
Comment: Gene of Uncertain Significance